The following continues an entry in ClinVar:

NM_000256.3(MYBPC3):c.1624+4A>T

Gene: MYBPC3. ClinVar aggregate classification (germline): Pathogenic/Likely pathogenic. Pathogenic (15); Likely pathogenic (2).

Submissions 8 to 19 of 19:

Color Diagnostics, LLC DBA Color Health
Classification: Pathogenic for Cardiomyopathy. Last evaluated: 2023-12-19. Review status: criteria provided, single submitter. Criteria: ACMG Guidelines, 2015. Collection method: clinical testing. Allele origin: germline.
Comment: This variant replaces the conserved c.A nucleotide with c.T at c.1624+4 position in intron 17 splice donor site of the MYBPC3 gene. Functional RNA studies have shown that this variant causes skipping of exon 17, frameshift and premature truncation, resulting in a truncated or absent protein product (PMID: 25031304, 30645170). This variant has been reported in over ten individuals affected with hypertrophic cardiomyopathy (PMID: 16199542, 19574547, 23782526, 28408708, 28615295, 28790153, 30645170). This variant has been identified in 3/224880 chromosomes in the general population by the Genome Aggregation Database (gnomAD). Loss of MYBPC3 function is a known mechanism of disease. Based on the available evidence, this variant is classified as Pathogenic.

Baylor Genetics
Classification: Pathogenic for Left ventricular noncompaction 10. Last evaluated: 2023-09-27. Review status: criteria provided, single submitter. Criteria: ACMG Guidelines, 2015. Collection method: clinical testing. Allele origin: unknown.

Baylor Genetics
Classification: Pathogenic for Hypertrophic cardiomyopathy 4. Last evaluated: 2023-09-27. Review status: criteria provided, single submitter. Criteria: ACMG Guidelines, 2015. Collection method: clinical testing. Allele origin: unknown.

CHEO Genetics Diagnostic Laboratory, Children's Hospital of Eastern Ontario
Classification: Pathogenic for Cardiomyopathy. Last evaluated: 2023-06-14. Review status: criteria provided, single submitter. Criteria: ACMG Guidelines, 2015. Collection method: clinical testing. Allele origin: germline.

Mayo Clinic Laboratories, Mayo Clinic
Classification: Pathogenic. Last evaluated: 2022-10-25. Review status: criteria provided, single submitter. Criteria: ACMG Guidelines, 2015. Collection method: clinical testing. Allele origin: germline. Observed: 3 variant alleles.

GeneDx
Classification: Pathogenic. Last evaluated: 2022-05-13. Review status: criteria provided, single submitter. Criteria: GeneDx Variant Classification Process June 2021. Collection method: clinical testing. Allele origin: germline. Affected: yes.
Comment: Published functional studies demonstrate that c.1624+4 A>T results in skipping of exon 17 (Helms et al., 2014; Singer et al., 2019); Not observed at significant frequency in large population cohorts (gnomAD); This variant is associated with the following publications: (PMID: 31028938, 23396983, 23782526, 19574547, 22563033, 21415409, 22057632, 27688314, 16199542, 28679633, 30645170, 22267749, 28615295, 28790153, 31099476, 31447099, 32123317, 33673806, 31006259, 30550750, 34135346, 33190526, 32079122, 25031304, Wood_2021_Article)

AiLife Diagnostics
Classification: Likely pathogenic. Last evaluated: 2021-11-25. Review status: criteria provided, single submitter. Criteria: ACMG Guidelines, 2015. Collection method: clinical testing. Allele origin: germline. Affected: yes. Observed: 1 variant allele.

Clinical Genomics Laboratory, Stanford Medicine
Classification: Pathogenic for Hypertrophic cardiomyopathy 4. Last evaluated: 2021-05-10. Review status: criteria provided, single submitter. Criteria: ACMG Guidelines, 2015. Collection method: clinical testing. Allele origin: germline. Affected: yes. Observed: 1 heterozygote.
Comment: • The c.1624+4A>T variant in the MYBPC3 gene has been previously reported in the literature in at least 13 unrelated individuals with hypertrophic cardiomyopathy (Ingles et al., 2005; Marston et al., 2009; Helms et al., 2014; Burns et al., 2017; Singer et al., 2019; O’Hare et al., 2020), and has been reported by clinical labs to be detected in individuals undergoing testing for hypertrophic cardiomyopathy (ClinVar). • This variant has been identified in 3/224,880 chromosomes by the Genome Aggregation Database. Although this variant has been seen in the general population, its frequency is low enough to be consistent with the prevalence of hypertrophic cardiomyopathy. • This variant alters the donor splice site in intron 17, which is predicted to result in abnormal gene splicing. Functional studies have demonstrated that this variant results in skipping of exon 17 (Helms et al., 2014; Singer et al., 2019). • These data were assessed using the ACMG/AMP variant interpretation guidelines. In summary, there is sufficient evidence to classify the c.1624+4A>T variant as pathogenic for autosomal dominant MYBPC3- related cardiomyopathy based on the information above. [ACMG evidence codes used: PS4; PS3; PM2; PP3]

Laboratory for Molecular Medicine, Mass General Brigham Personalized Medicine
Classification: Pathogenic for Hypertrophic cardiomyopathy. Last evaluated: 2019-09-19. Review status: criteria provided, single submitter. Criteria: LMM Criteria. Collection method: clinical testing. Allele origin: germline. Inheritance: Autosomal dominant inheritance. Observed: 15 variant alleles.
Comment: The c.1624+4A>T variant in MYBPC3 has been identified in >15 individuals with HCM and segregated with disease in 5 affected family members from 3 families (Ingles 2005, Marston 2009, Helms 2014, Burns 2017, Springer 2019, Cardiogenomics pers comm, LMM data). This variant also been identified in 3/224880 chromosomes by gnomAD. This variant is located in the 5' splice region multiple studies have demonstrated that it causes skipping of exon 17, leading to the introduction of a premature stop codon (Helms 2014, Ito 2017, Springer 2019). In summary, this variant meets criteria to be classified as pathogenic for autosomal dominant HCM. ACMG/AMP Criteria applied: PS3, PS4, PM2, PP1_Moderate.

Stanford Center for Inherited Cardiovascular Disease, Stanford University
Classification: Likely pathogenic. Last evaluated: 2015-06-19. Review status: criteria provided, single submitter. Criteria: ACMG Guidelines, 2015. Collection method: provider interpretation. Allele origin: germline.

PreventionGenetics, part of Exact Sciences
Classification: Pathogenic for MYBPC3-related condition. Last evaluated: 2024-08-21. Review status: no assertion criteria provided. Collection method: clinical testing. Allele origin: germline. Not counted in ClinVar's aggregate classification.
Comment: The MYBPC3 c.1624+4A>T variant is predicted to interfere with splicing. This variant has been reported in multiple unrelated individuals with hypertrophic cardiomyopathy (Ingles et al. 2005. PubMed ID: 16199542, described as IVS18+4A>T; Marston et al. 2009. PubMed ID: 19574547, described as intron17 DS A>T+4; Page et al. 2012. PubMed ID: 22267749, described as IVS17+4A>T; Singer et al. 2019. PubMed ID: 30645170). Complementary DNA studies in myocardial samples showed that the c.1624+4A>T results in skipping of exon 17 (Helms et al. 2014. PubMed ID: 25031304; Singer et al. 2019. PubMed ID: 30645170). This variant is reported in 0.0067% of alleles in individuals of African descent in gnomAD. This variant is interpreted as pathogenic.

Zaffran Lab, Genetics of Cardiac Diseases Laboratory, Marseille Medical Genetics
Classification: Pathogenic for hypertrophic cardiomyopathy. Review status: no assertion criteria provided. Collection method: research. Allele origin: unknown. Affected: yes. Not counted in ClinVar's aggregate classification.

Literature cited by the submitters: PubMed 28790153 (cited by 7 submitters); PubMed 32841044 (cited by Victorian Clinical Genetics Services, Murdoch Childrens Research Institute); PubMed 28771489 (cited by Victorian Clinical Genetics Services, Murdoch Childrens Research Institute); PubMed 25031304 (cited by 8 submitters); PubMed 16199542 (cited by 7 submitters); PubMed 19574547 (cited by 7 submitters); PubMed 23782526 (cited by 5 submitters); PubMed 17576681 (cited by Labcorp Genetics (formerly Invitae), Labcorp); PubMed 9536098 (cited by Labcorp Genetics (formerly Invitae), Labcorp); PubMed 30645170 (cited by 6 submitters); PubMed 28408708 (cited by Dasa and Color Diagnostics, LLC DBA Color Health); PubMed 28679633 (cited by 3 submitters); PubMed 22267749 (cited by Women's Health and Genetics/Laboratory Corporation of America, LabCorp and All of Us Research Program, National Institutes of Health); PubMed 27688314 (cited by Women's Health and Genetics/Laboratory Corporation of America, LabCorp and All of Us Research Program, National Institutes of Health); PubMed 16199547 (cited by All of Us Research Program, National Institutes of Health); PubMed 20031618 (cited by All of Us Research Program, National Institutes of Health); PubMed 28615295 (cited by Color Diagnostics, LLC DBA Color Health); PubMed 32123317 (cited by Mayo Clinic Laboratories, Mayo Clinic and AiLife Diagnostics); PubMed 33673806 (cited by Mayo Clinic Laboratories, Mayo Clinic and AiLife Diagnostics); PubMed 34135346 (cited by AiLife Diagnostics); PubMed 31006259 (cited by AiLife Diagnostics); PubMed 30550750 (cited by AiLife Diagnostics); PubMed 33190526 (cited by AiLife Diagnostics); PubMed 31447099 (cited by AiLife Diagnostics).